The following is an entry in ClinVar:

NM_201253.3(CRB1):c.3837_3838del (p.Glu1280fs)

Gene: CRB1 (crumbs cell polarity complex component 1; plus strand). Cytogenetic location: 1q31.3.
Variant type: Deletion.
Coding change: c.3837_3838del on transcript NM_201253.3 (MANE Select); coding-DNA positions 3837 to 3838, 2 bases deleted (TG; older notation c.3837_3838delTG).
Protein change: p.Glu1280fs; shifts the reading frame from glutamic acid 1280.
Molecular consequence: frameshift variant. On other transcripts: non-coding transcript variant (2).
Genome position (GRCh38, 1-based): chr1:197,438,634-197,438,635, TG deleted. VCF-style (leftmost placement, unchanged base first): chr1-197438633-CTG-C. GRCh37 (hg19) VCF-style: chr1-197407763-CTG-C.
Other names: c.3501_3502del, p.Glu1168fs (NM_001193640.2); c.3765_3766del, p.Glu1256fs (NM_001257965.2); c.2229_2230del, p.Glu744fs (NM_001257966.2); short protein forms E1280fs, E744fs, E1168fs, E1256fs.
Identifiers: ClinVar variation 2948686 (VCV002948686.4), dbSNP rs2528222834, ClinGen allele CA2574105704.

ClinVar aggregate classification (germline): Pathogenic. Review status: criteria provided, single submitter (1 of 4 stars). 2 submissions from 2 submitters: Pathogenic (1). 1 of the submissions does not count toward it. Last evaluated 2023-06-09.

Conditions:
Leber congenital amaurosis 8 (LCA8). Identifiers: Orphanet 65, MedGen C3151202, MONDO:0013453, OMIM 613835.
Retinitis pigmentosa 12 (RP12). Also called: RP WITH OR WITHOUT PRESERVED PARAARTERIOLE RETINAL PIGMENT EPITHELIUM; RETINITIS PIGMENTOSA WITH OR WITHOUT PARAARTERIOLAR PRESERVATION OF RETINAL PIGMENT EPITHELIUM; RP WITH OR WITHOUT PPRPE. Identifiers: Orphanet 791, MedGen C1838647, MONDO:0010818, OMIM 600105.
Retinal dystrophy. Also called: Inherited retinal dystrophy. Identifiers: Orphanet 71862, MedGen C0854723, MeSH D058499, MONDO:0019118, HP:0000556.

Submissions (2):

Labcorp Genetics (formerly Invitae), Labcorp
Classification: Pathogenic for Leber congenital amaurosis 8; Retinitis pigmentosa 12. Last evaluated: 2023-06-09. Review status: criteria provided, single submitter. Criteria: Invitae Variant Classification Sherloc (09022015). Collection method: clinical testing. Allele origin: germline.
Comment: This sequence change creates a premature translational stop signal (p.Glu1280Ilefs*15) in the CRB1 gene. It is expected to result in an absent or disrupted protein product. Loss-of-function variants in CRB1 are known to be pathogenic (PMID: 10508521, 22065545, 23379534, 25412400, 26957898, 28041643, 29391521). This variant is not present in population databases (gnomAD no frequency). This variant has not been reported in the literature in individuals affected with CRB1-related conditions. For these reasons, this variant has been classified as Pathogenic.

Institute of Human Genetics, Univ. Regensburg, Univ. Regensburg
Classification: Likely pathogenic for Retinal dystrophy. Last evaluated: 2022-01-01. Review status: no assertion criteria provided. Criteria: ACMG Guidelines, 2015. Collection method: clinical testing. Allele origin: germline. Affected: yes. Not counted in ClinVar's aggregate classification.

Literature cited by the submitters: PubMed 10508521 (cited by Labcorp Genetics (formerly Invitae), Labcorp); PubMed 22065545 (cited by Labcorp Genetics (formerly Invitae), Labcorp); PubMed 23379534 (cited by Labcorp Genetics (formerly Invitae), Labcorp); PubMed 25412400 (cited by Labcorp Genetics (formerly Invitae), Labcorp); PubMed 26957898 (cited by Labcorp Genetics (formerly Invitae), Labcorp); PubMed 28041643 (cited by Labcorp Genetics (formerly Invitae), Labcorp); PubMed 29391521 (cited by Labcorp Genetics (formerly Invitae), Labcorp).